The following is an entry in ClinVar:

NM_033380.3(COL4A5):c.2732G>A (p.Gly911Glu)

Gene: COL4A5 (collagen type IV alpha 5 chain; plus strand). Cytogenetic location: Xq22.3.
Variant type: single nucleotide variant.
Coding change: c.2732G>A on transcript NM_033380.3 (MANE Select); coding-DNA position 2732, G replaced by A.
Protein change: p.Gly911Glu; replaces glycine 911 with glutamic acid.
Molecular consequence: missense variant.
Genome position (GRCh38, 1-based): chrX:108,621,857, G>A. VCF-style: chrX-108621857-G-A. GRCh37 (hg19) VCF-style: chrX-107865087-G-A.
Other names: c.2732G>A, p.Gly911Glu (NM_000495.5); c.2732G>A (NM_000495.4); short protein forms G911E.
Identifiers: ClinVar variation 1705496 (VCV001705496.4), dbSNP rs104886363, ClinGen allele CA258751.

ClinVar aggregate classification (germline): Pathogenic/Likely pathogenic. Review status: criteria provided, multiple submitters, no conflicts (2 of 4 stars). 3 submissions from 3 submitters: Pathogenic (2); Likely pathogenic (1). Last evaluated 2024-01-29.

Conditions:
COL4A5-related disorder. Also called: COL4A5-related condition.
X-linked Alport syndrome (ATS1). Also called: NEPHROPATHY AND DEAFNESS, X-LINKED; COL4A5-Related Nephropathy. Identifiers: Orphanet 63, Orphanet 88917, MedGen C4746986, MONDO:0010520, OMIM 301050.

Allele frequency attached by ClinVar (database versions not stated): gnomAD exomes below 0.00001.
gnomAD v4.1: 1 of 1,209,835 alleles (0.000083%); highest among the groups gnomAD compares: Non-Finnish European, 0.00011%; no homozygotes.

Submissions (3):

Labcorp Genetics (formerly Invitae), Labcorp
Classification: Pathogenic. Last evaluated: 2024-01-29. Review status: criteria provided, single submitter. Criteria: Invitae Variant Classification Sherloc (09022015). Collection method: clinical testing. Allele origin: germline.
Comment: This sequence change replaces glycine, which is neutral and non-polar, with glutamic acid, which is acidic and polar, at codon 911 of the COL4A5 protein (p.Gly911Glu). This variant is not present in population databases (gnomAD no frequency). This missense change has been observed in individuals with Alport syndrome (PMID: 10684360; Invitae). ClinVar contains an entry for this variant (Variation ID: 1705496). Advanced modeling of protein sequence and biophysical properties (such as structural, functional, and spatial information, amino acid conservation, physicochemical variation, residue mobility, and thermodynamic stability) performed at Invitae indicates that this missense variant is expected to disrupt COL4A5 protein function with a positive predictive value of 95%. This variant disrupts the triple helix domain of COL4A5. Glycine residues within the Gly-Xaa-Yaa repeats of the triple helix domain are required for the structure and stability of fibrillar collagens (PMID: 7695699, 8218237, 19344236). In COL4A5, missense variants at these glycine residues are significantly enriched in individuals with disease (PMID: 23720012, 27627812) compared to the general population (ExAC). For these reasons, this variant has been classified as Pathogenic.

PreventionGenetics, part of Exact Sciences
Classification: Pathogenic for COL4A5-related condition. Last evaluated: 2023-06-26. Review status: criteria provided, single submitter. Criteria: ACMG Guidelines, 2015. Collection method: clinical testing. Allele origin: germline.
Comment: The COL4A5 c.2732G>A variant is predicted to result in the amino acid substitution p.Gly911Glu. The p.Gly911Glu variant affects a Gly residue of the conserved triple helical domain, where substitutions of the glycine are usually pathogenic (Hudson et al. 1993. PubMed ID: 8253711). This variant has not been reported in a large population database, indicating this variant is rare. This variant is interpreted as pathogenic.

3billion
Classification: Likely pathogenic for X-linked Alport syndrome. Last evaluated: 2022-09-01. Review status: criteria provided, single submitter. Criteria: ACMG Guidelines, 2015. Collection method: clinical testing. Allele origin: germline. Affected: yes. Observed: 1 heterozygote.
Comment: The variant is not observed in the gnomAD v2.1.1 dataset. Missense changes are a common disease-causing mechanism. In silico tool predictions suggest damaging effect of the variant on gene or gene product (REVEL: 0.99; 3Cnet: 0.98). Same nucleotide change resulting in same amino acid change has been previously reported to be associated with COL4A5 -related disorder (PMID: 10684360). A different missense change at the same codon (p.Gly911Arg) has been reported to be associated with COL4A5 -related disorder (PMID: 29204651). Therefore, this variant is classified as Likely pathogenic according to the recommendation of ACMG/AMP guideline.

Literature cited by the submitters: PubMed 10684360 (cited by Labcorp Genetics (formerly Invitae), Labcorp and 3billion); PubMed 7695699 (cited by Labcorp Genetics (formerly Invitae), Labcorp); PubMed 8218237 (cited by Labcorp Genetics (formerly Invitae), Labcorp); PubMed 19344236 (cited by Labcorp Genetics (formerly Invitae), Labcorp); PubMed 23720012 (cited by Labcorp Genetics (formerly Invitae), Labcorp); PubMed 27627812 (cited by Labcorp Genetics (formerly Invitae), Labcorp); PubMed 29204651 (cited by 3billion).